The following is an entry in ClinVar:

ClinVar aggregate classification (germline): Uncertain significance (1 of 4 stars; one submission).

Allele frequency attached by ClinVar (database versions not stated): ExAC 0.00001; gnomAD 0.00002; TOPMed 0.00002; gnomAD exomes 0.00005; ESP Exome Variant Server 0.00016.
gnomAD v4.1: 72 of 1,613,978 alleles (0.0045%); highest among the groups gnomAD compares: Non-Finnish European, 0.0058%; no homozygotes.

Submission:

Labcorp Genetics (formerly Invitae), Labcorp
Classification: Uncertain significance. Last evaluated: 2024-12-23. Review status: criteria provided, single submitter. Criteria: Invitae Variant Classification Sherloc (09022015). Collection method: clinical testing. Allele origin: germline.
Comment: This sequence change replaces alanine, which is neutral and non-polar, with threonine, which is neutral and polar, at codon 751 of the A2ML1 protein (p.Ala751Thr). This variant is present in population databases (rs370582885, gnomAD 0.0009%). This variant has not been reported in the literature in individuals affected with A2ML1-related conditions. ClinVar contains an entry for this variant (Variation ID: 2137076). An algorithm developed to predict the effect of missense changes on protein structure and function (PolyPhen-2) suggests that this variant is likely to be tolerated. In summary, the available evidence is currently insufficient to determine the role of this variant in disease. Therefore, it has been classified as a Variant of Uncertain Significance.

NM_144670.6(A2ML1):c.2251G>A (p.Ala751Thr)

Gene: A2ML1 (alpha-2-macroglobulin like 1; plus strand). Cytogenetic location: 12p13.31.
Variant type: single nucleotide variant.
Coding change: c.2251G>A on transcript NM_144670.6 (MANE Select); coding-DNA position 2251, G replaced by A.
Protein change: p.Ala751Thr; replaces alanine 751 with threonine.
Molecular consequence: missense variant.
Genome position (GRCh38, 1-based): chr12:8,851,800, G>A. VCF-style: chr12-8851800-G-A. GRCh37 (hg19) VCF-style: chr12-9004396-G-A.
Other names: c.778G>A, p.Ala260Thr (NM_001282424.3); short protein forms A260T, A751T.
Identifiers: ClinVar variation 2137076 (VCV002137076.4), dbSNP rs370582885, ClinGen allele CA6435967.